The following is an entry in ClinVar:

NM_213607.3(DNAAF19):c.226C>T (p.His76Tyr)

Gene: DNAAF19 (dynein axonemal assembly factor 19; plus strand). Cytogenetic location: 17q21.31.
Variant type: single nucleotide variant.
Coding change: c.226C>T on transcript NM_213607.3 (MANE Select); coding-DNA position 226, C replaced by T.
Protein change: p.His76Tyr; replaces histidine 76 with tyrosine.
Molecular consequence: missense variant.
Genome position (GRCh38, 1-based): chr17:44,901,602, C>T. VCF-style: chr17-44901602-C-T. GRCh37 (hg19) VCF-style: chr17-42978970-C-T.
Other names: c.226C>T, p.His76Tyr (NM_001258395.2, NM_001258396.2, NM_001258397.3 and 2 more transcripts); short protein forms H76Y.
Identifiers: ClinVar variation 2174801 (VCV002174801.2), dbSNP rs758749891, ClinGen allele CA8608307.

ClinVar aggregate classification (germline): Uncertain significance (1 of 4 stars; one submission).

Conditions:
Primary ciliary dyskinesia. Also called: Ciliary dyskinesia. Identifiers: Orphanet 244, MedGen C0008780, MONDO:0016575, HP:0012265.

Allele frequency attached by ClinVar (database versions not stated): ExAC 0.00008.
gnomAD v4.1: 55 of 1,614,186 alleles (0.0034%); highest among the groups gnomAD compares: South Asian, 0.053%; 1 homozygote.

Submission:

Labcorp Genetics (formerly Invitae), Labcorp
Classification: Uncertain significance for Primary ciliary dyskinesia. Last evaluated: 2025-12-18. Review status: criteria provided, single submitter. Criteria: Invitae Variant Classification Sherloc (09022015). Collection method: clinical testing. Allele origin: germline.
Comment: This sequence change replaces histidine, which is basic and polar, with tyrosine, which is neutral and polar, at codon 76 of the CCDC103 protein (p.His76Tyr). This variant is present in population databases (rs758749891, gnomAD 0.06%). This variant has not been reported in the literature in individuals affected with CCDC103-related conditions. ClinVar contains an entry for this variant (Variation ID: 2174801). An algorithm developed to predict the effect of missense changes on protein structure and function outputs the following: PolyPhen-2: "Benign". The tyrosine amino acid residue is found in multiple mammalian species, which suggests that this missense change does not adversely affect protein function. In summary, the available evidence is currently insufficient to determine the role of this variant in disease. Therefore, it has been classified as a Variant of Uncertain Significance.